The following is an entry in ClinVar:

NM_021008.4(DEAF1):c.13G>A (p.Asp5Asn)

Gene: DEAF1 (DEAF1 transcription factor; minus strand). Cytogenetic location: 11p15.5.
Variant type: single nucleotide variant.
Coding change: c.13G>A on transcript NM_021008.4 (MANE Select); coding-DNA position 13, G replaced by A.
Protein change: p.Asp5Asn; replaces aspartic acid 5 with asparagine.
Molecular consequence: missense variant. On other transcripts: intron variant (1).
Genome position (GRCh38, 1-based): chr11:695,035, C>T on the plus strand (G>A on the coding strand, the complement: DEAF1 is on the minus strand). VCF-style: chr11-695035-C-T. GRCh37 (hg19) VCF-style: chr11-695035-C-T.
Other names: c.13G>A, p.Asp5Asn (NM_001293634.2); c.-437-3437G>A (NM_001367390.1); short protein forms D5N.
Identifiers: ClinVar variation 2552481 (VCV002552481.5), dbSNP rs772947461, ClinGen allele CA5786683.

ClinVar aggregate classification (germline): Uncertain significance. Review status: criteria provided, multiple submitters, no conflicts (2 of 4 stars). 2 submissions from 2 submitters: Uncertain significance (2). Last evaluated 2023-10-10.

Conditions:
Inborn genetic diseases. Identifiers: MedGen C0950123, MeSH D030342.

Allele frequency attached by ClinVar (database versions not stated): gnomAD exomes 0.00001.
gnomAD v4.1: 4 of 1,424,306 alleles (0.00028%); highest among the groups gnomAD compares: Non-Finnish European, 0.00037%; no homozygotes.

Submissions (2):

Labcorp Genetics (formerly Invitae), Labcorp
Classification: Uncertain significance. Last evaluated: 2023-10-10. Review status: criteria provided, single submitter. Criteria: Invitae Variant Classification Sherloc (09022015). Collection method: clinical testing. Allele origin: germline.
Comment: This sequence change replaces aspartic acid, which is acidic and polar, with asparagine, which is neutral and polar, at codon 5 of the DEAF1 protein (p.Asp5Asn). This variant is present in population databases (rs772947461, gnomAD 0.003%). This variant has not been reported in the literature in individuals affected with DEAF1-related conditions. ClinVar contains an entry for this variant (Variation ID: 2552481). Advanced modeling of protein sequence and biophysical properties (such as structural, functional, and spatial information, amino acid conservation, physicochemical variation, residue mobility, and thermodynamic stability) performed at Invitae indicates that this missense variant is not expected to disrupt DEAF1 protein function. In summary, the available evidence is currently insufficient to determine the role of this variant in disease. Therefore, it has been classified as a Variant of Uncertain Significance.

Ambry Genetics
Classification: Uncertain significance for Inborn genetic diseases. Last evaluated: 2023-05-30. Review status: criteria provided, single submitter. Criteria: Ambry Variant Classification Scheme 2023. Collection method: clinical testing. Allele origin: germline.